The following continues an entry in ClinVar:

NM_000059.4(BRCA2):c.7618-1G>A

Gene: BRCA2. ClinVar aggregate classification (germline): Pathogenic. Pathogenic (1).

Submissions 9 to 19 of 19:

All of Us Research Program, National Institutes of Health
Classification: Pathogenic for Breast-ovarian cancer, familial, susceptibility to, 2. Last evaluated: 2024-01-08. Review status: criteria provided, single submitter. Criteria: ACMG Guidelines, 2015. Collection method: clinical testing. Allele origin: germline. Inheritance: Autosomal dominant inheritance. Observed: 2 variant alleles, 2 heterozygotes. Not counted in ClinVar's aggregate classification.
Comment: This variant causes a G to A nucleotide substitution at the -1 position of intron 15 of the BRCA2 gene. RNA studies have detected out-of-frame splicing in the RNA from carriers of this variant, resulting in premature truncation (PMID: 21394826, 22006311, 31843900). This variant has been detected in at least 4 individuals affected with breast, pancreatic and peritoneal cancer (PMID: 12097290, 22006311, 26681312, 35451682) and has been identified in 11 families among the CIMBA participants (PMID: 29446198). This variant has not been identified in the general population by the Genome Aggregation Database (gnomAD). Loss of BRCA2 function is a known mechanism of disease. Based on the available evidence, this variant is classified as Pathogenic.

This study involves interpretation of variants in research participants for the purpose of population health screening. Participant phenotype was not available at the time of variant classification. Additional details can be found in publication PMID: 35346344, PMCID: PMC8962531

Color Diagnostics, LLC DBA Color Health
Classification: Pathogenic for Hereditary cancer-predisposing syndrome. Last evaluated: 2023-11-22. Review status: criteria provided, single submitter. Criteria: ACMG Guidelines, 2015. Collection method: clinical testing. Allele origin: germline. Not counted in ClinVar's aggregate classification.
Comment: This variant causes a G to A nucleotide substitution at the -1 position of intron 15 of the BRCA2 gene. RNA studies have detected out-of-frame splicing in the RNA from carriers of this variant, resulting in premature truncation (PMID: 21394826, 22006311, 31843900). This variant has been detected in at least 4 individuals affected with breast, pancreatic and peritoneal cancer (PMID: 12097290, 22006311, 26681312, 35451682) and has been identified in 11 families among the CIMBA participants (PMID: 29446198). This variant has not been identified in the general population by the Genome Aggregation Database (gnomAD). Loss of BRCA2 function is a known mechanism of disease. Based on the available evidence, this variant is classified as Pathogenic.

Revvity Omics, Revvity
Classification: Pathogenic. Last evaluated: 2022-08-24. Review status: criteria provided, single submitter. Criteria: ACMG Guidelines, 2015. Collection method: clinical testing. Allele origin: germline. Not counted in ClinVar's aggregate classification.

GeneDx
Classification: Pathogenic. Last evaluated: 2022-05-19. Review status: criteria provided, single submitter. Criteria: GeneDx Variant Classification Process June 2021. Collection method: clinical testing. Allele origin: germline. Affected: yes. Not counted in ClinVar's aggregate classification.
Comment: Canonical splice site variant in a gene for which loss-of-function is a known mechanism of disease; Published functional studies demonstrate a damaging effect: causes aberrant splicing resulting in multiple transcripts, including partial deletion of exon 16 and exon 17, predicted to result in a null allele (Whiley 2011, Fraile-Bethencourt 2018); Observed in individuals with a personal or family history consistent with pathogenic variants in this gene (Murphy 2002, Walsh 2011, Tung 2016); Not observed at significant frequency in large population cohorts (gnomAD); Multifactorial studies suggest this variant is associated with breast and ovarian cancer (Lindor 2012); Truncating variants in this gene are considered pathogenic by a well-established clinical consortium and/or database; Also known as 7846-1G>A; This variant is associated with the following publications: (PMID: 12097290, 20104584, 30832263, 21990134, 21394826, 22006311, 17924331, 25085752, 26976419, 26681312, 29881398, 24240112, 23725378, 29446198, 28492532, 31843900, 31447099, 32398771, 30787465)

National Health Laboratory Service, Universitas Academic Hospital and University of the Free State
Classification: Pathogenic for Hereditary breast ovarian cancer syndrome. Last evaluated: 2022-04-19. Review status: criteria provided, single submitter. Criteria: ACMG Guidelines, 2015. Collection method: clinical testing. Allele origin: germline. Affected: yes. Observed: 1 variant allele. Not counted in ClinVar's aggregate classification.

Sema4
Classification: Pathogenic for Hereditary cancer-predisposing syndrome. Last evaluated: 2021-09-23. Review status: criteria provided, single submitter. Criteria: Sema4 Curation Guidelines. Collection method: curation. Allele origin: germline. Not counted in ClinVar's aggregate classification.
Comment: The BRCA2 c.7618-1G>A variant has been reported in heterozygous state in at least two individuals with breast cancers (PMID: 21394826, 26681312). This variant has also been reported in an individual with peritoneal cancer (PMID: 22006311). This variant affects a nucleotide within a consensus splice site of an intron and is predicted to cause abnormal gene splicing. Experimental studies have shown that this variant results in aberrant splicing by RNA and minigene assays (PMID: 21394826, 29881398). Loss of function variants in BRCA2 are known to be pathogenic (PMID: 29446198). It is also known as c.7846-1G>A and IVS15-1G>A in the literature. This variant is not reported in the population database Genome Aggregation Database (PMID: 32461654). This variant has been reported in ClinVar (Variation ID: 38110). Based on the current evidence available, this variant is interpreted as pathogenic.

Women's Health and Genetics/Laboratory Corporation of America, LabCorp
Classification: Pathogenic for Hereditary breast ovarian cancer syndrome. Last evaluated: 2016-06-10. Review status: criteria provided, single submitter. Criteria: LabCorp Variant Classification Summary - May 2015. Collection method: clinical testing. Allele origin: germline. Not counted in ClinVar's aggregate classification.
Comment: Variant summary: The BRCA2 c.7618-1G>A variant involves the alteration of a conserved intronic nucleotide with 5/5 splice prediction tools predicting a significant impact on splicing, which is functionally supported. The variant of interest has not been observed in controls (ExAC, 1000 Gs or ESP) and has been reported in multiple affected individuals via publications. In addition, multiple reputable databases/clinical laboratories cite the variant as "pathogenic." Therefore, the variant of interest has been classified as Pathogenic.

Consortium of Investigators of Modifiers of BRCA1/2 (CIMBA), c/o University of Cambridge
Classification: Pathogenic for Breast-ovarian cancer, familial, susceptibility to, 2. Last evaluated: 2015-10-02. Review status: criteria provided, single submitter. Criteria: CIMBA Mutation Classification guidelines May 2016. Collection method: clinical testing. Allele origin: germline. Not counted in ClinVar's aggregate classification.

King Laboratory, University of Washington
Classification: Pathogenic for Hereditary breast and ovarian cancer syndrome; Breast-ovarian cancer, familial 2. Last evaluated: 2019-09-01. Review status: no assertion criteria provided. Collection method: research. Allele origin: germline. Affected: yes. Not counted in ClinVar's aggregate classification.
Comment: Transcript analysis by cBROCA

Counsyl
Classification: Pathogenic for Breast-ovarian cancer, familial, susceptibility to, 2. Last evaluated: 2015-06-17. Review status: no assertion criteria provided. Collection method: clinical testing. Allele origin: unknown. Not counted in ClinVar's aggregate classification.

Sharing Clinical Reports Project (SCRP)
Classification: Pathogenic for Breast-ovarian cancer, familial 2. Last evaluated: 2010-12-09. Review status: no assertion criteria provided. Collection method: clinical testing. Allele origin: germline. Not counted in ClinVar's aggregate classification.

Literature cited by the submitters: PubMed 21990134 (cited by 4 submitters); PubMed 21394826 (cited by 6 submitters); PubMed 22006311 (cited by 7 submitters); PubMed 26681312 (cited by 6 submitters); PubMed 17924331 (cited by Labcorp Genetics (formerly Invitae), Labcorp and Mayo Clinic Laboratories, Mayo Clinic); PubMed 25085752 (cited by Quest Diagnostics Nichols Institute San Juan Capistrano); PubMed 31843900 (cited by 5 submitters); PubMed 32398771 (cited by Quest Diagnostics Nichols Institute San Juan Capistrano and Mayo Clinic Laboratories, Mayo Clinic); PubMed 29881398 (cited by 3 submitters); PubMed 37719058 (cited by Quest Diagnostics Nichols Institute San Juan Capistrano); PubMed 12097290 (cited by 4 submitters); PubMed 35451682 (cited by 4 submitters); PubMed 29446198 (cited by 3 submitters); PubMed 24240112 (cited by Women's Health and Genetics/Laboratory Corporation of America, LabCorp).